The following is an entry in ClinVar:

ClinVar aggregate classification (germline): Conflicting classifications of pathogenicity. Review status: criteria provided, conflicting classifications (1 of 4 stars). 7 submissions from 7 submitters: Uncertain significance (3); Likely benign (4). Last evaluated 2026-09-01.

Conditions:
LRP2-related disorder. Also called: LRP2-related condition.
Donnai-Barrow syndrome. Also called: FACIOOCULOACOUSTICORENAL SYNDROME; DBS/FOAR SYNDROME. Identifiers: Orphanet 2143, MedGen C1857277, MONDO:0009104, OMIM 222448.
Inborn genetic diseases. Identifiers: MedGen C0950123, MeSH D030342.

Allele frequency attached by ClinVar (database versions not stated): gnomAD exomes 0.00027; ExAC 0.00035; ESP Exome Variant Server 0.00038; TOPMed 0.00044; gnomAD 0.00045 and 0.00049; 1000 Genomes Project 30x 0.00109; 1000 Genomes Project 0.00120.
gnomAD v4.1: 388 of 1,614,070 alleles (0.024%); highest among the groups gnomAD compares: African/African-American, 0.11%; no homozygotes.

Submissions (7):

CeGaT Center for Human Genetics Tuebingen
Classification: Likely benign. Last evaluated: 2026-09-01. Review status: criteria provided, single submitter. Criteria: CeGaT Center For Human Genetics Tuebingen Variant Classification Criteria Version 2. Collection method: clinical testing. Allele origin: germline. Affected: yes. Observed: 4 variant alleles.
Comment: LRP2: BP4

PreventionGenetics, part of Exact Sciences
Classification: Uncertain significance for LRP2-related condition. Last evaluated: 2026-04-09. Review status: criteria provided, single submitter. Criteria: ACMG Guidelines, 2015. Collection method: clinical testing. Allele origin: germline.
Comment: The LRP2 c.7007G>A variant is predicted to result in the amino acid substitution p.Arg2336Gln. To our knowledge, this variant has not been reported in the literature. This variant is reported in 0.12% of alleles in individuals of African descent in gnomAD. Although we suspect that this variant may be benign, at this time, the clinical significance of this variant is uncertain due to the absence of conclusive functional and genetic evidence.

Labcorp Genetics (formerly Invitae), Labcorp
Classification: Likely benign. Last evaluated: 2026-02-01. Review status: criteria provided, single submitter. Criteria: Invitae Variant Classification Sherloc (09022015). Collection method: clinical testing. Allele origin: germline.

GeneDx
Classification: Uncertain significance. Last evaluated: 2025-04-02. Review status: criteria provided, single submitter. Criteria: GeneDx Variant Classification Process June 2021. Collection method: clinical testing. Allele origin: germline.
Comment: In silico analysis indicates that this missense variant does not alter protein structure/function; Has not been previously published as pathogenic or benign to our knowledge

Blueprint Genetics
Classification: Likely benign. Last evaluated: 2024-10-02. Review status: criteria provided, single submitter. Criteria: ACMG Guidelines, 2015. Collection method: clinical testing. Allele origin: germline.

Ambry Genetics
Classification: Likely benign for Inborn genetic diseases. Last evaluated: 2022-05-02. Review status: criteria provided, single submitter. Criteria: Ambry Variant Classification Scheme 2023. Collection method: clinical testing. Allele origin: germline.

Illumina Laboratory Services, Illumina
Classification: Uncertain significance for Donnai-Barrow syndrome. Last evaluated: 2018-01-12. Review status: criteria provided, single submitter. Criteria: ICSL Variant Classification Criteria 13 December 2019. Collection method: clinical testing. Allele origin: germline.

NM_004525.3(LRP2):c.7007G>A (p.Arg2336Gln)

Gene: LRP2 (LDL receptor related protein 2; minus strand). Cytogenetic location: 2q31.1.
Variant type: single nucleotide variant.
Coding change: c.7007G>A on transcript NM_004525.3 (MANE Select); coding-DNA position 7007, G replaced by A.
Protein change: p.Arg2336Gln; replaces arginine 2336 with glutamine.
Molecular consequence: missense variant.
Genome position (GRCh38, 1-based): chr2:169,206,713, C>T on the plus strand (G>A on the coding strand, the complement: LRP2 is on the minus strand). VCF-style: chr2-169206713-C-T. GRCh37 (hg19) VCF-style: chr2-170063223-C-T.
Other names: short protein forms R2336Q.
Identifiers: ClinVar variation 332137 (VCV000332137.41), dbSNP rs147287428, ClinGen allele CA1954181.